The following is an entry in ClinVar:

NM_004836.7(EIF2AK3):c.682G>A (p.Glu228Lys)

Gene: EIF2AK3 (eukaryotic translation initiation factor 2 alpha kinase 3; minus strand). Cytogenetic location: 2p11.2.
Variant type: single nucleotide variant.
Coding change: c.682G>A on transcript NM_004836.7 (MANE Select); coding-DNA position 682, G replaced by A.
Protein change: p.Glu228Lys; replaces glutamic acid 228 with lysine.
Molecular consequence: missense variant.
Genome position (GRCh38, 1-based): chr2:88,593,357, C>T on the plus strand (G>A on the coding strand, the complement: EIF2AK3 is on the minus strand). VCF-style: chr2-88593357-C-T. GRCh37 (hg19) VCF-style: chr2-88892875-C-T.
Other names: c.229G>A, p.Glu77Lys (NM_001313915.2); short protein forms E228K, E77K.
Identifiers: ClinVar variation 2005732 (VCV002005732.1), dbSNP rs766640012, ClinGen allele CA1754863.

ClinVar aggregate classification (germline): Uncertain significance (1 of 4 stars; one submission).

Allele frequency attached by ClinVar (database versions not stated): gnomAD exomes below 0.00001; ExAC 0.00001; gnomAD 0.00001.

Submission:

Labcorp Genetics (formerly Invitae), Labcorp
Classification: Uncertain significance. Last evaluated: 2022-06-13. Review status: criteria provided, single submitter. Criteria: Invitae Variant Classification Sherloc (09022015). Collection method: clinical testing. Allele origin: germline.
Comment: This sequence change replaces glutamic acid, which is acidic and polar, with lysine, which is basic and polar, at codon 228 of the EIF2AK3 protein (p.Glu228Lys). The frequency data for this variant in the population databases is considered unreliable, as metrics indicate poor data quality at this position in the gnomAD database. This variant has not been reported in the literature in individuals affected with EIF2AK3-related conditions. Algorithms developed to predict the effect of missense changes on protein structure and function are either unavailable or do not agree on the potential impact of this missense change (SIFT: "Deleterious"; PolyPhen-2: "Benign"; Align-GVGD: "Class C0"). In summary, the available evidence is currently insufficient to determine the role of this variant in disease. Therefore, it has been classified as a Variant of Uncertain Significance.